The following is an entry in ClinVar:

NM_000492.4(CFTR):c.1693G>A (p.Asp565Asn)

Gene: CFTR (CF transmembrane conductance regulator; plus strand). Cytogenetic location: 7q31.2.
Variant type: single nucleotide variant.
Coding change: c.1693G>A on transcript NM_000492.4 (MANE Select); coding-DNA position 1693, G replaced by A.
Protein change: p.Asp565Asn; replaces aspartic acid 565 with asparagine.
Molecular consequence: missense variant.
Genome position (GRCh38, 1-based): chr7:117,590,366, G>A. VCF-style: chr7-117590366-G-A. GRCh37 (hg19) VCF-style: chr7-117230420-G-A.
Other names: short protein forms D565N.
Identifiers: ClinVar variation 4688565 (VCV004688565.1).

ClinVar aggregate classification (germline): Uncertain significance (1 of 4 stars; one submission).

Submission:

Women's Health and Genetics/Laboratory Corporation of America, LabCorp
Classification: Uncertain significance. Last evaluated: 2025-12-04. Review status: criteria provided, single submitter. Criteria: LabCorp Variant Classification Summary - May 2015. Collection method: clinical testing. Allele origin: germline.
Comment: Variant summary: CFTR c.1693G>A (p.Asp565Asn) results in a conservative amino acid change located in the first AAA+ ATPase domain (IPR003593) of the encoded protein sequence. Algorithms developed to predict the effect of missense changes on protein structure and function are either unavailable or do not agree on the potential impact of this missense change. The variant was absent in 250396 control chromosomes (gnomAD). The available data on variant occurrences in the general population are insufficient to allow any conclusion about variant significance. To our knowledge, no occurrence of c.1693G>A in individuals affected with CFTR-related conditions has been reported. At least one publication reported experimental evidence, describing that the variant increased exon 12 skipping, presumably by affecting exonic splicing regulatory elements (Soukarieh_2016), however, these data do not allow convincing conclusions about the overall in vivo effect of the variant. The following publications have been ascertained in the context of this evaluation (PMID: 26761715, 12719375, 15840711). No submitters have cited clinical-significance assessments for this variant to ClinVar. Based on the evidence outlined above, the variant was classified as uncertain significance.

Literature cited by the submitters: PubMed 12719375; PubMed 15840711; PubMed 26761715.